The following is an entry in ClinVar:

ClinVar aggregate classification (germline): Uncertain significance. Review status: criteria provided, multiple submitters, no conflicts (2 of 4 stars). 3 submissions from 3 submitters: Uncertain significance (2). 1 of the submissions does not count toward it. Last evaluated 2025-07-17.

Conditions:
Hereditary cancer-predisposing syndrome. Also called: Neoplastic Syndromes, Hereditary; Hereditary Cancer Syndrome; Tumor predisposition; Hereditary neoplastic syndrome. Identifiers: Orphanet 140162, MedGen C0027672, MeSH D009386, MONDO:0015356.

Allele frequency attached by ClinVar (database versions not stated): TOPMed below 0.00001; gnomAD 0.00001.
gnomAD v4.1: 1 of 1,614,094 alleles (0.000062%); highest among the groups gnomAD compares: African/African-American, 0.0013%; no homozygotes.

Submissions (3):

Ambry Genetics
Classification: Uncertain significance for Hereditary cancer-predisposing syndrome. Last evaluated: 2025-07-17. Review status: criteria provided, single submitter. Criteria: Ambry Variant Classification Scheme 2023. Collection method: clinical testing. Allele origin: germline.
Comment: The p.E164Q variant (also known as c.490G>C), located in coding exon 3 of the XRCC2 gene, results from a G to C substitution at nucleotide position 490. The glutamic acid at codon 164 is replaced by glutamine, an amino acid with highly similar properties. One study detected this alteration in 1/3548 non-BRCA1/2 familial cancer cases and 0/1435 healthy controls (Hilbers FS et al. J. Med. Genet., 2012 Oct;49:618-20). This amino acid position is highly conserved in available vertebrate species. However, this alteration is predicted to be tolerated by in silico analysis and did not show any significant impact on XRCC2 activity in one functional study (Hilbers FS et al. Hum Mutat, 2016 09;37:914-25). Since supporting evidence is limited at this time, the clinical significance of this alteration remains unclear.

Labcorp Genetics (formerly Invitae), Labcorp
Classification: Uncertain significance. Last evaluated: 2021-05-27. Review status: criteria provided, single submitter. Criteria: Invitae Variant Classification Sherloc (09022015). Collection method: clinical testing. Allele origin: germline.
Comment: This sequence change replaces glutamic acid with glutamine at codon 164 of the XRCC2 protein (p.Glu164Gln). The glutamic acid residue is highly conserved and there is a small physicochemical difference between glutamic acid and glutamine. This variant is not present in population databases (ExAC no frequency). In summary, the available evidence is currently insufficient to determine the role of this variant in disease. Therefore, it has been classified as a Variant of Uncertain Significance. Experimental studies are conflicting or provide insufficient evidence to determine the effect of this variant on XRCC2 protein function (PMID: 27233470). This variant has been observed in individual(s) with breast cancer (PMID: 23054243). ClinVar contains an entry for this variant (Variation ID: 929640).

Leiden Open Variation Database
Classification: Uncertain significance. Last evaluated: 2016-04-14. Review status: no assertion criteria provided. Collection method: curation. Allele origin: germline. Affected: yes. Not counted in ClinVar's aggregate classification.
Comment: Curator: Arleen D. Auerbach. Submitter to LOVD: Florentine Hilbers.

Literature cited by the submitters: PubMed 23054243 (cited by Ambry Genetics and Labcorp Genetics (formerly Invitae), Labcorp); PubMed 27233470 (cited by Ambry Genetics and Labcorp Genetics (formerly Invitae), Labcorp).

NM_005431.2(XRCC2):c.490G>C (p.Glu164Gln)

Gene: XRCC2 (X-ray repair cross complementing 2; minus strand). Cytogenetic location: 7q36.1.
Variant type: single nucleotide variant.
Coding change: c.490G>C on transcript NM_005431.2 (MANE Select); coding-DNA position 490, G replaced by C.
Protein change: p.Glu164Gln; replaces glutamic acid 164 with glutamine.
Molecular consequence: missense variant.
Genome position (GRCh38, 1-based): chr7:152,648,995, C>G on the plus strand (G>C on the coding strand, the complement: XRCC2 is on the minus strand). VCF-style: chr7-152648995-C-G. GRCh37 (hg19) VCF-style: chr7-152346080-C-G.
Other names: short protein forms E164Q.
Identifiers: ClinVar variation 929640 (VCV000929640.11), dbSNP rs1215678098, ClinGen allele CA370198585.